The following is an entry in ClinVar:

NM_006859.4(LIAS):c.694G>C (p.Asp232His)

Gene: LIAS (lipoic acid synthetase; plus strand). Cytogenetic location: 4p14.
Variant type: single nucleotide variant.
Coding change: c.694G>C on transcript NM_006859.4 (MANE Select); coding-DNA position 694, G replaced by C.
Protein change: p.Asp232His; replaces aspartic acid 232 with histidine.
Molecular consequence: missense variant. On other transcripts: intron variant (1).
Genome position (GRCh38, 1-based): chr4:39,467,603, G>C. VCF-style: chr4-39467603-G-C. GRCh37 (hg19) VCF-style: chr4-39469223-G-C.
Other names: c.385G>C, p.Asp129His (NM_001363700.2); c.694G>C, p.Asp232His (NM_194451.3); c.608+2261G>C (NM_001278590.2); short protein forms D232H, D129H.
Identifiers: ClinVar variation 1963932 (VCV001963932.5), dbSNP rs1332752187, ClinGen allele CA356665016.

ClinVar aggregate classification (germline): Uncertain significance (1 of 4 stars; one submission).

Conditions:
Lipoic acid synthetase deficiency. Also called: HYPERGLYCINEMIA, LACTIC ACIDOSIS, AND SEIZURES. Identifiers: Orphanet 401859, MedGen C3280887, MONDO:0013762, OMIM 614462.

Allele frequency attached by ClinVar (database versions not stated): TOPMed below 0.00001; gnomAD 0.00001.

Submission:

Labcorp Genetics (formerly Invitae), Labcorp
Classification: Uncertain significance for Lipoic acid synthetase deficiency. Last evaluated: 2022-04-06. Review status: criteria provided, single submitter. Criteria: Invitae Variant Classification Sherloc (09022015). Collection method: clinical testing. Allele origin: germline.
Comment: In summary, the available evidence is currently insufficient to determine the role of this variant in disease. Therefore, it has been classified as a Variant of Uncertain Significance. Algorithms developed to predict the effect of missense changes on protein structure and function (SIFT, PolyPhen-2, Align-GVGD) all suggest that this variant is likely to be disruptive. This variant has not been reported in the literature in individuals affected with LIAS-related conditions. This variant is not present in population databases (gnomAD no frequency). This sequence change replaces aspartic acid, which is acidic and polar, with histidine, which is basic and polar, at codon 232 of the LIAS protein (p.Asp232His).